The following is an entry in ClinVar:

NM_004360.5(CDH1):c.2296-18A>C

Gene: CDH1 (cadherin 1; plus strand). Cytogenetic location: 16q22.1.
Variant type: single nucleotide variant.
Coding change: c.2296-18A>C on transcript NM_004360.5 (MANE Select); 18 bases into the intron before coding-DNA position 2296, A replaced by C.
Molecular consequence: intron variant.
Genome position (GRCh38, 1-based): chr16:68,829,636, A>C. VCF-style: chr16-68829636-A-C. GRCh37 (hg19) VCF-style: chr16-68863539-A-C.
Other names: c.748-18A>C (NM_001317185.2); c.331-18A>C (NM_001317186.2); c.2113-18A>C (NM_001317184.2).
Identifiers: ClinVar variation 491528 (VCV000491528.12), dbSNP rs750381383, ClinGen allele CA623137533.

ClinVar aggregate classification (germline): Likely benign. Review status: criteria provided, multiple submitters, no conflicts (2 of 4 stars). 3 submissions from 3 submitters: Likely benign (3). Last evaluated 2025-09-09.

Conditions:
Hereditary cancer-predisposing syndrome. Also called: Tumor predisposition; Neoplastic Syndromes, Hereditary; Hereditary Cancer Syndrome; Hereditary neoplastic syndrome. Identifiers: Orphanet 140162, MedGen C0027672, MeSH D009386, MONDO:0015356.
Hereditary diffuse gastric adenocarcinoma (HDGC). Also called: DIFFUSE GASTRIC AND LOBULAR BREAST CANCER SYNDROME. Identifiers: Orphanet 26106, MedGen C1708349, MONDO:0007648, OMIM 137215.

Allele frequency attached by ClinVar (database versions not stated): TOPMed 0.00001.
gnomAD v4.1: 8 of 1,613,772 alleles (0.0005%); highest among the groups gnomAD compares: Non-Finnish European, 0.00068%; no homozygotes.

Submissions (3):

Labcorp Genetics (formerly Invitae), Labcorp
Classification: Likely benign for Hereditary diffuse gastric adenocarcinoma. Last evaluated: 2025-09-09. Review status: criteria provided, single submitter. Criteria: Invitae Variant Classification Sherloc (09022015). Collection method: clinical testing. Allele origin: germline.

Myriad Genetics, Inc.
Classification: Likely benign for Hereditary diffuse gastric adenocarcinoma. Last evaluated: 2024-09-23. Review status: criteria provided, single submitter. Criteria: Myriad Autosomal Dominant, Autosomal Recessive and X-Linked Classification Criteria (2023). Collection method: clinical testing. Allele origin: unknown.
Comment: This variant is considered likely benign. This variant is intronic and is not expected to impact mRNA splicing.

Color Diagnostics, LLC DBA Color Health
Classification: Likely benign for Hereditary cancer-predisposing syndrome. Last evaluated: 2017-03-27. Review status: criteria provided, single submitter. Criteria: ACMG Guidelines, 2015. Collection method: clinical testing. Allele origin: germline.